The following is an entry in ClinVar:

ClinVar aggregate classification (germline): Conflicting classifications of pathogenicity. Review status: criteria provided, conflicting classifications (1 of 4 stars). 2 submissions from 2 submitters: Likely pathogenic (1); Uncertain significance (1). Last evaluated 2025-12-12.

Conditions:
Autosomal recessive limb-girdle muscular dystrophy type 2J (LGMDR10). Also called: Limb-girdle muscular dystrophy, type 2J; MUSCULAR DYSTROPHY, LIMB-GIRDLE, AUTOSOMAL RECESSIVE 10. Identifiers: Orphanet 140922, MedGen C1837342, MONDO:0012127, OMIM 608807.
Dilated cardiomyopathy 1G (CMD1G). Identifiers: Orphanet 154, MedGen C1858763, MONDO:0011400, OMIM 604145.
Hypertrophic cardiomyopathy 9. Also called: Familial hypertrophic cardiomyopathy 9. Identifiers: MedGen C1861065, MONDO:0013412, OMIM 613765.
Tibial muscular dystrophy (TMD). Also called: Tibial muscular dystrophy, tardive; Udd Distal Myopathy – Tibial Muscular Dystrophy; UDD MYOPATHY. Identifiers: Orphanet 609, MedGen C1838244, MONDO:0010870, OMIM 600334.
Early-onset myopathy with fatal cardiomyopathy (CMYO5). Also called: Salih Myopathy; CONGENITAL MYOPATHY 5 WITH CARDIOMYOPATHY. Identifiers: Orphanet 289377, MedGen C2673677, MONDO:0012714, OMIM 611705. Disease mechanism: loss of function.
Myopathy, myofibrillar, 9, with early respiratory failure (MFM9). Also called: Hereditary myopathy with early respiratory failure; Myopathy, distal, with early respiratory failure, autosomal dominant; EDSTROM MYOPATHY; MYOPATHY, PROXIMAL, WITH EARLY RESPIRATORY MUSCLE INVOLVEMENT. Identifiers: Orphanet 178464, Orphanet 34521, MedGen C1863599, MONDO:0011362, OMIM 603689.

Submissions (2):

Labcorp Genetics (formerly Invitae), Labcorp
Classification: Uncertain significance for Dilated cardiomyopathy 1G; Autosomal recessive limb-girdle muscular dystrophy type 2J. Last evaluated: 2025-12-12. Review status: criteria provided, single submitter. Criteria: Invitae Variant Classification Sherloc (09022015). Collection method: clinical testing. Allele origin: germline.
Comment: This variant, c.104699_104726delinsT , is a complex sequence change that results in the deletion of 10 and insertion of 1 amino acid(s) in the TTN protein (p.Glu34900_Ser34909delinsVal). Information on the frequency of this variant in the gnomAD database is not available, as this variant may be reported differently in the database. This variant has not been reported in the literature in individuals affected with TTN-related conditions. ClinVar contains an entry for this variant (Variation ID: 970659). Experimental studies and prediction algorithms are not available or were not evaluated, and the functional significance of this variant is currently unknown. This variant is located in the M band of TTN (PMID: 25589632). Non-truncating variants in this region may be relevant for neuromuscular disorders, but have not been definitively shown to cause cardiomyopathy (PMID: 23975875). In summary, the available evidence is currently insufficient to determine the role of this variant in disease. Therefore, it has been classified as a Variant of Uncertain Significance.

Fulgent Genetics
Classification: Likely pathogenic for Tibial muscular dystrophy; Myopathy, myofibrillar, 9, with early respiratory failure; Dilated cardiomyopathy 1G; Autosomal recessive limb-girdle muscular dystrophy type 2J; Early-onset myopathy with fatal cardiomyopathy; Hypertrophic cardiomyopathy 9. Last evaluated: 2021-10-16. Review status: criteria provided, single submitter. Criteria: ACMG Guidelines, 2015. Collection method: clinical testing. Allele origin: unknown.

Literature cited by the submitters: PubMed 25589632 (cited by Labcorp Genetics (formerly Invitae), Labcorp); PubMed 23975875 (cited by Labcorp Genetics (formerly Invitae), Labcorp).

NM_001267550.2(TTN):c.104699_104726delinsT (p.Glu34900_Ser34909delinsVal)

Genes: TTN (titin; minus strand), TTN-AS1 (TTN antisense RNA 1; plus strand). Cytogenetic location: 2q31.2.
Variant type: Indel.
Coding change: c.104699_104726delinsT on transcript NM_001267550.2 (MANE Select); coding-DNA positions 104699 to 104726, AGAGGTCTGCAAGATTTGATATCTTTTC replaced by T.
Protein change: p.Glu34900_Ser34909delinsVal.
Molecular consequence: inframe indel.
Genome position (GRCh38, 1-based): chr2:178,531,889-178,531,916, GAAAAGATATCAAATCTTGCAGACCTCT replaced by A on the plus strand (AGAGGTCTGCAAGATTTGATATCTTTTC replaced by T on the coding strand, the reverse complement: TTN is on the minus strand). VCF-style: chr2-178531889-GAAAAGATATCAAATCTTGCAGACCTCT-A. GRCh37 (hg19) VCF-style: chr2-179396616-GAAAAGATATCAAATCTTGCAGACCTCT-A.
Other names: c.99776_99803delinsT, p.Glu33259_Ser33268delinsVal (NM_001256850.1); c.77504_77531delinsT, p.Glu25835_Ser25844delinsVal (NM_003319.4); c.96995_97022delinsT, p.Glu32332_Ser32341delinsVal (NM_133378.4); c.77879_77906delinsT, p.Glu25960_Ser25969delinsVal (NM_133432.3); c.78080_78107delinsT, p.Glu26027_Ser26036delinsVal (NM_133437.4).
Identifiers: ClinVar variation 970659 (VCV000970659.5), dbSNP rs1689265228, ClinGen allele CA1139657374.